The following is an entry in ClinVar:

ClinVar aggregate classification (germline): Uncertain significance. Review status: criteria provided, multiple submitters, no conflicts (2 of 4 stars). 4 submissions from 4 submitters: Uncertain significance (4). Last evaluated 2024-12-26.

Conditions:
LAMA2-related muscular dystrophy (LAMA2-RD). Also called: Laminin alpha 2-related dystrophy. Identifiers: MedGen C5679788, MONDO:0100228.
LAMA2-related disorder. Also called: LAMA2-related disorders; LAMA2-related condition.

Allele frequency attached by ClinVar (database versions not stated): TOPMed 0.00003; ExAC 0.00004; gnomAD exomes 0.00004; gnomAD 0.00005 and 0.00006.
gnomAD v4.1: 64 of 1,586,546 alleles (0.004%); highest among the groups gnomAD compares: Middle Eastern, 0.017%; no homozygotes.

Submissions (4):

PreventionGenetics, part of Exact Sciences
Classification: Uncertain significance for LAMA2-related condition. Last evaluated: 2024-12-26. Review status: criteria provided, single submitter. Criteria: ACMG Guidelines, 2015. Collection method: clinical testing. Allele origin: germline.
Comment: The LAMA2 c.8356C>T variant is predicted to result in the amino acid substitution p.Arg2786Cys. This variant has been reported in a large cohort of individuals with dilated cardiomyopathy; however, no additional evidence was presented to support pathogenicity (reported using genomic position chr6: 129823915 in Table S3, Mazzarotto et al. 2020. PubMed ID: 31983221). This variant is reported in 0.0062% of alleles in individuals of European (Non-Finnish) descent in gnomAD. At this time, the clinical significance of this variant is uncertain due to the absence of conclusive functional and genetic evidence.

Revvity Omics, Revvity
Classification: Uncertain significance. Last evaluated: 2024-09-09. Review status: criteria provided, single submitter. Criteria: ACMG Guidelines, 2015. Collection method: clinical testing. Allele origin: germline.

Labcorp Genetics (formerly Invitae), Labcorp
Classification: Uncertain significance for LAMA2-related muscular dystrophy. Last evaluated: 2020-11-02. Review status: criteria provided, single submitter. Criteria: Invitae Variant Classification Sherloc (09022015). Collection method: clinical testing. Allele origin: germline.
Comment: This sequence change replaces arginine with cysteine at codon 2786 of the LAMA2 protein (p.Arg2786Cys). The arginine residue is moderately conserved and there is a large physicochemical difference between arginine and cysteine. This variant is present in population databases (rs199806512, ExAC 0.006%). This variant has not been reported in the literature in individuals with LAMA2-related conditions. Algorithms developed to predict the effect of missense changes on protein structure and function are either unavailable or do not agree on the potential impact of this missense change (SIFT: "Deleterious"; PolyPhen-2: "Benign"; Align-GVGD: "Class C0"). In summary, the available evidence is currently insufficient to determine the role of this variant in disease. Therefore, it has been classified as a Variant of Uncertain Significance.

Mayo Clinic Laboratories, Mayo Clinic
Classification: Uncertain significance. Last evaluated: 2020-02-17. Review status: criteria provided, single submitter. Criteria: ACMG Guidelines, 2015. Collection method: clinical testing. Allele origin: germline. Observed: 1 variant allele.

NM_000426.4(LAMA2):c.8356C>T (p.Arg2786Cys)

Genes: LAMA2 (laminin subunit alpha 2; plus strand), LOC126859784 (CDK7 strongly-dependent group 2 enhancer GRCh37_chr6:129822854-129824053; plus strand). Cytogenetic location: 6q22.33.
Variant type: single nucleotide variant.
Coding change: c.8356C>T on transcript NM_000426.4 (MANE Select); coding-DNA position 8356, C replaced by T.
Protein change: p.Arg2786Cys; replaces arginine 2786 with cysteine.
Molecular consequence: missense variant.
Genome position (GRCh38, 1-based): chr6:129,502,770, C>T. VCF-style: chr6-129502770-C-T. GRCh37 (hg19) VCF-style: chr6-129823915-C-T.
Other names: c.8344C>T, p.Arg2782Cys (NM_001079823.2); short protein forms R2782C, R2786C.
Identifiers: ClinVar variation 1163856 (VCV001163856.8), dbSNP rs199806512, ClinGen allele CA3994800.